The following is an entry in ClinVar:

ClinVar aggregate classification (germline): Likely benign. Review status: criteria provided, single submitter (1 of 4 stars). 2 submissions from 1 submitter: Likely benign (2). Last evaluated 2018-01-12.

Conditions:
Schwartz-Jampel syndrome. Also called: Myotonic myopathy dwarfism chondrodystrophy and ocular and facial abnormalities. Identifiers: Orphanet 800, MedGen C0036391, MONDO:0009717.
Lethal Kniest-like syndrome (DDSH). Also called: Dyssegmental Dysplasia. Identifiers: Orphanet 1865, MedGen C1857100, MONDO:0009140, OMIM 224410.

Allele frequency attached by ClinVar (database versions not stated): TOPMed 0.00058; gnomAD exomes 0.00110; gnomAD 0.00113 and 0.00132; 1000 Genomes Project 0.00240; 1000 Genomes Project 30x 0.00250.
gnomAD v4.1: 216 of 165,528 alleles (0.13%); highest among the groups gnomAD compares: East Asian, 1.2%; 3 homozygotes.

Submissions (2):

Illumina Laboratory Services, Illumina
Classification: Likely benign for Lethal Kniest-like syndrome. Last evaluated: 2018-01-12. Review status: criteria provided, single submitter. Criteria: ICSL Variant Classification Criteria 13 December 2019. Collection method: clinical testing. Allele origin: germline.
Comment: This variant was observed in the ICSL laboratory as part of a predisposition screen in an ostensibly healthy population. It had not been previously curated by ICSL or reported in the Human Gene Mutation Database (HGMD: prior to June 1st, 2018), and was therefore a candidate for classification through an automated scoring system. Utilizing variant allele frequency, disease prevalence and penetrance estimates, and inheritance mode, an automated score was calculated to assess if this variant is too frequent to cause the disease. Based on the score and internal cut-off values, a variant classified as likely benign is not then subjected to further curation. The score for this variant resulted in a classification of likely benign for this disease.

Illumina Laboratory Services, Illumina
Classification: Likely benign for Schwartz-Jampel syndrome type 1. Last evaluated: 2018-01-12. Review status: criteria provided, single submitter. Criteria: ICSL Variant Classification Criteria 13 December 2019. Collection method: clinical testing. Allele origin: germline.
Comment: the same text as in the submission from Illumina Laboratory Services, Illumina above.

NM_005529.7(HSPG2):c.*593C>T

Genes: HSPG2 (heparan sulfate proteoglycan 2; minus strand), LDLRAD2 (low density lipoprotein receptor class A domain containing 2; plus strand). Cytogenetic location: 1p36.12.
Variant type: single nucleotide variant.
Coding change: c.*593C>T on transcript NM_005529.7 (MANE Select); 593 bases downstream of the stop codon, C replaced by T.
Molecular consequence: 3 prime UTR variant.
Genome position (GRCh38, 1-based): chr1:21,822,723, G>A on the plus strand (C>T on the coding strand, the complement: HSPG2 is on the minus strand). VCF-style: chr1-21822723-G-A. GRCh37 (hg19) VCF-style: chr1-22149216-G-A.
Other names: c.*593C>T (NM_001291860.2); c.*508G>A (NM_001013693.3).
Identifiers: ClinVar variation 295688 (VCV000295688.5), dbSNP rs575020789, ClinGen allele CA10609883.
Genomic context (GRCh38, chr1:21,822,723, plus strand): 5'-GGACCCCAGGCTGTGTGCTGGCAGGAGGGGGTGGGAATGCAGGCCAGGAGGACGTGGTAG[G>A]AGGGGGAGTCTGCCAGAGGAGGTGCCAGGGGCTGGGTGGAGGTGGGTGGGGGTGCTGAAA-3'